The following is an entry in ClinVar:

ClinVar aggregate classification (germline): Likely benign. Review status: criteria provided, multiple submitters, no conflicts (2 of 4 stars). 3 submissions from 3 submitters: Likely benign (2). 1 of the submissions does not count toward it. Last evaluated 2024-11-26.

Conditions:
SMARCA4-related disorder. Also called: SMARCA4-related condition.
Hereditary cancer-predisposing syndrome. Also called: Tumor predisposition; Hereditary Cancer Syndrome; Hereditary neoplastic syndrome; Neoplastic Syndromes, Hereditary. Identifiers: Orphanet 140162, MedGen C0027672, MeSH D009386, MONDO:0015356.
Rhabdoid tumor predisposition syndrome 2 (RTPS2). Identifiers: Orphanet 231108, Orphanet 69077, MedGen C2750074, MONDO:0013224, OMIM 613325.

Submissions (3):

Labcorp Genetics (formerly Invitae), Labcorp
Classification: Likely benign for Rhabdoid tumor predisposition syndrome 2. Last evaluated: 2024-11-26. Review status: criteria provided, single submitter. Criteria: Invitae Variant Classification Sherloc (09022015). Collection method: clinical testing. Allele origin: germline.

Ambry Genetics
Classification: Likely benign for Hereditary cancer-predisposing syndrome. Last evaluated: 2023-07-20. Review status: criteria provided, single submitter. Criteria: Ambry Variant Classification Scheme 2023. Collection method: clinical testing. Allele origin: germline.

PreventionGenetics, part of Exact Sciences
Classification: Likely benign for SMARCA4-related condition. Last evaluated: 2024-02-22. Review status: no assertion criteria provided. Collection method: clinical testing. Allele origin: germline. Not counted in ClinVar's aggregate classification.
Comment: This variant is classified as likely benign based on ACMG/AMP sequence variant interpretation guidelines (Richards et al. 2015 PMID: 25741868, with internal and published modifications).

NM_003072.5(SMARCA4):c.4485C>A (p.Pro1495=)

Gene: SMARCA4 (SWI/SNF related BAF chromatin remodeling complex subunit ATPase 4; plus strand). Cytogenetic location: 19p13.2.
Variant type: single nucleotide variant.
Coding change: c.4485C>A on transcript NM_003072.5 (MANE Select); coding-DNA position 4485, C replaced by A.
Protein change: p.Pro1495=; no amino-acid change (proline 1495 retained).
Molecular consequence: synonymous variant. On other transcripts: non-coding transcript variant (1).
Genome position (GRCh38, 1-based): chr19:11,058,315, C>A. VCF-style: chr19-11058315-C-A. GRCh37 (hg19) VCF-style: chr19-11168991-C-A.
Other names: c.4485C>A, p.Pro1495= (NM_001128844.3); c.4395C>A, p.Pro1465= (NM_001128845.2); c.4392C>A, p.Pro1464= (NM_001128846.2); c.4386C>A, p.Pro1462= (NM_001128847.4, NM_001374457.1); c.4383C>A, p.Pro1461= (NM_001128848.2); c.4581C>A, p.Pro1527= (NM_001128849.3, NM_001387283.1); c.4482C>A, p.Pro1494= (NM_001411150.1).
Identifiers: ClinVar variation 2587132 (VCV002587132.6), dbSNP rs568946159, ClinGen allele CA505494823.